The following is an entry in ClinVar:

NM_018676.4(THSD1):c.2115T>C (p.Phe705=)

Gene: THSD1 (thrombospondin type 1 domain containing 1; minus strand). Cytogenetic location: 13q14.3.
Variant type: single nucleotide variant.
Coding change: c.2115T>C on transcript NM_018676.4 (MANE Select); coding-DNA position 2115, T replaced by C.
Protein change: p.Phe705=; no amino-acid change (phenylalanine 705 retained).
Molecular consequence: synonymous variant.
Genome position (GRCh38, 1-based): chr13:52,377,855, A>G on the plus strand (T>C on the coding strand, the complement: THSD1 is on the minus strand). VCF-style: chr13-52377855-A-G. GRCh37 (hg19) VCF-style: chr13-52951990-A-G.
Other names: c.1956T>C, p.Phe652= (NM_199263.3).
Identifiers: ClinVar variation 2643827 (VCV002643827.24), dbSNP rs142258031, ClinGen allele CA6991835.

ClinVar aggregate classification (germline): Likely benign (1 of 4 stars; one submission).

Allele frequency attached by ClinVar (database versions not stated): ExAC 0.00014; gnomAD exomes 0.00015; TOPMed 0.00017; gnomAD 0.00019; ESP Exome Variant Server 0.00023.
gnomAD v4.1: 263 of 1,614,058 alleles (0.016%); highest among the groups gnomAD compares: Non-Finnish European, 0.02%; no homozygotes.

Submission:

CeGaT Center for Human Genetics Tuebingen
Classification: Likely benign. Last evaluated: 2023-01-01. Review status: criteria provided, single submitter. Criteria: CeGaT Center For Human Genetics Tuebingen Variant Classification Criteria Version 2. Collection method: clinical testing. Allele origin: germline. Affected: yes. Observed: 1 variant allele.
Comment: THSD1: BP4, BP7